The following is an entry in ClinVar:

ClinVar aggregate classification (germline): Uncertain significance (1 of 4 stars; one submission).

gnomAD v4.1: 5 of 1,614,010 alleles (0.00031%); highest among the groups gnomAD compares: Non-Finnish European, 0.00034%; no homozygotes.

Submission:

Labcorp Genetics (formerly Invitae), Labcorp
Classification: Uncertain significance. Last evaluated: 2022-06-23. Review status: criteria provided, single submitter. Criteria: Invitae Variant Classification Sherloc (09022015). Collection method: clinical testing. Allele origin: germline.
Comment: In summary, the available evidence is currently insufficient to determine the role of this variant in disease. Therefore, it has been classified as a Variant of Uncertain Significance. This sequence change replaces arginine, which is basic and polar, with leucine, which is neutral and non-polar, at codon 555 of the ACAD9 protein (p.Arg555Leu). This variant is not present in population databases (gnomAD no frequency). This variant has not been reported in the literature in individuals affected with ACAD9-related conditions. Advanced modeling of protein sequence and biophysical properties (such as structural, functional, and spatial information, amino acid conservation, physicochemical variation, residue mobility, and thermodynamic stability) performed at Invitae indicates that this missense variant is not expected to disrupt ACAD9 protein function.

NM_014049.5(ACAD9):c.1664G>T (p.Arg555Leu)

Genes: ACAD9 (acyl-CoA dehydrogenase family member 9; plus strand), CFAP92 (cilia and flagella associated protein 92 (putative); minus strand). Cytogenetic location: 3q21.3.
Variant type: single nucleotide variant.
Coding change: c.1664G>T on transcript NM_014049.5 (MANE Select); coding-DNA position 1664, G replaced by T.
Protein change: p.Arg555Leu; replaces arginine 555 with leucine.
Molecular consequence: missense variant. On other transcripts: non-coding transcript variant (1), 3 prime UTR variant (3).
Genome position (GRCh38, 1-based): chr3:128,910,121, G>T. VCF-style: chr3-128910121-G-T. GRCh37 (hg19) VCF-style: chr3-128628964-G-T.
Other names: c.1295G>T, p.Arg432Leu (NM_001410805.1); c.*178C>A (NM_001348520.2, NM_001348521.2, NM_001394090.1); short protein forms R432L, R555L.
Identifiers: ClinVar variation 2145370 (VCV002145370.3), dbSNP rs200134546, ClinGen allele CA82540372.